The following is an entry in ClinVar:

NM_000264.5(PTCH1):c.2203T>C (p.Phe735Leu)

Genes: PTCH1 (patched 1; minus strand), LOC100507346 (uncharacterized LOC100507346; plus strand). Cytogenetic location: 9q22.32.
Variant type: single nucleotide variant.
Coding change: c.2203T>C on transcript NM_000264.5 (MANE Select); coding-DNA position 2203, T replaced by C.
Protein change: p.Phe735Leu; replaces phenylalanine 735 with leucine.
Molecular consequence: missense variant. On other transcripts: non-coding transcript variant (2).
Genome position (GRCh38, 1-based): chr9:95,468,798, A>G on the plus strand (T>C on the coding strand, the complement: PTCH1 is on the minus strand). VCF-style: chr9-95468798-A-G. GRCh37 (hg19) VCF-style: chr9-98231080-A-G.
Other names: c.2005T>C, p.Phe669Leu (NM_001083602.3); c.2200T>C, p.Phe734Leu (NM_001083603.3); c.1750T>C, p.Phe584Leu (NM_001083604.3, NM_001083605.3, NM_001083606.3 and 1 more transcripts); c.2047T>C, p.Phe683Leu (NM_001354918.2); short protein forms F669L, F584L, F683L, F734L, F735L.
Identifiers: ClinVar variation 2560648 (VCV002560648.3), dbSNP rs2118027590, ClinGen allele CA374115341.

ClinVar aggregate classification (germline): Uncertain significance (1 of 4 stars; one submission).

Conditions:
Hereditary cancer-predisposing syndrome. Also called: Hereditary Cancer Syndrome; Hereditary neoplastic syndrome; Neoplastic Syndromes, Hereditary; Tumor predisposition. Identifiers: Orphanet 140162, MedGen C0027672, MeSH D009386, MONDO:0015356.

Submission:

Ambry Genetics
Classification: Uncertain significance for Hereditary cancer-predisposing syndrome. Last evaluated: 2026-09-11. Review status: criteria provided, single submitter. Criteria: Ambry Variant Classification Scheme 2023. Collection method: clinical testing. Allele origin: germline.
Comment: The p.F735L variant (also known as c.2203T>C), located in coding exon 14 of the PTCH1 gene, results from a T to C substitution at nucleotide position 2203. The phenylalanine at codon 735 is replaced by leucine, an amino acid with highly similar properties. This amino acid position is highly conserved in available vertebrate species. In addition, this alteration is predicted to be deleterious by in silico analysis. Based on the available evidence, the clinical significance of this variant remains unclear.